The following is an entry in ClinVar:

NM_000503.6(EYA1):c.648G>A (p.Pro216=)

Gene: EYA1 (EYA transcriptional coactivator and phosphatase 1; minus strand). Cytogenetic location: 8q13.3.
Variant type: single nucleotide variant.
Coding change: c.648G>A on transcript NM_000503.6 (MANE Select); coding-DNA position 648, G replaced by A.
Protein change: p.Pro216=; no amino-acid change (proline 216 retained).
Molecular consequence: synonymous variant.
Genome position (GRCh38, 1-based): chr8:71,299,225, C>T on the plus strand (G>A on the coding strand, the complement: EYA1 is on the minus strand). VCF-style: chr8-71299225-C-T. GRCh37 (hg19) VCF-style: chr8-72211460-C-T.
Other names: c.630G>A, p.Pro210= (NM_001288574.2); c.282G>A, p.Pro94= (NM_001288575.2); c.735G>A, p.Pro245= (NM_001370333.1); c.648G>A, p.Pro216= (NM_001370334.1, NM_001370335.1, NM_172058.4); c.717G>A, p.Pro239= (NM_001370336.1); c.720G>A, p.Pro240= (NM_172059.5).
Identifiers: ClinVar variation 363657 (VCV000363657.19), dbSNP rs148973681, ClinGen allele CA4779692.

ClinVar aggregate classification (germline): Benign/Likely benign. Review status: criteria provided, multiple submitters, no conflicts (2 of 4 stars). 5 submissions from 4 submitters: Benign (3); Likely benign (2). Last evaluated 2026-01-05.

Conditions:
Otofaciocervical syndrome 1 (OTFCS). Identifiers: MedGen C3714941, MONDO:0024532, OMIM 166780.
Branchiootic syndrome 1 (BOS1). Also called: BO SYNDROME 1; BRANCHIOOTIC DYSPLASIA. Identifiers: MedGen C1865143, MONDO:0011258, OMIM 602588.
Melnick-Fraser syndrome (BOR). Also called: Branchiootorenal syndrome; Branchio-oto-renal syndrome; Branchiootorenal Syndrome (BORS). Identifiers: Orphanet 107, MedGen C0265234, MONDO:0007029.

Allele frequency attached by ClinVar (database versions not stated): ExAC 0.00023; gnomAD exomes 0.00023 and 0.00045; 1000 Genomes Project 0.00040; 1000 Genomes Project 30x 0.00047; gnomAD 0.00062 and 0.00067; TOPMed 0.00068; ESP Exome Variant Server 0.00085.
gnomAD v4.1: 760 of 1,614,008 alleles (0.047%); highest among the groups gnomAD compares: African/African-American, 0.17%; no homozygotes.

Submissions (5):

Labcorp Genetics (formerly Invitae), Labcorp
Classification: Benign for Melnick-Fraser syndrome. Last evaluated: 2026-01-05. Review status: criteria provided, single submitter. Criteria: Invitae Variant Classification Sherloc (09022015). Collection method: clinical testing. Allele origin: germline.

Blueprint Genetics
Classification: Likely benign. Last evaluated: 2024-11-20. Review status: criteria provided, single submitter. Criteria: ACMG Guidelines, 2015. Collection method: clinical testing. Allele origin: germline.

GeneDx
Classification: Likely benign. Last evaluated: 2021-08-23. Review status: criteria provided, single submitter. Criteria: GeneDx Variant Classification Process June 2021. Collection method: clinical testing. Allele origin: germline. Affected: yes.

Illumina Laboratory Services, Illumina
Classification: Benign for Branchiootic syndrome. Last evaluated: 2018-01-12. Review status: criteria provided, single submitter. Criteria: ICSL Variant Classification Criteria 13 December 2019. Collection method: clinical testing. Allele origin: germline.
Comment: This variant was observed in the ICSL laboratory as part of a predisposition screen in an ostensibly healthy population. It had not been previously curated by ICSL or reported in the Human Gene Mutation Database (HGMD: prior to June 1st, 2018), and was therefore a candidate for classification through an automated scoring system. Utilizing variant allele frequency, disease prevalence and penetrance estimates, and inheritance mode, an automated score was calculated to assess if this variant is too frequent to cause the disease. Based on the score and internal cut-off values, a variant classified as benign is not then subjected to further curation. The score for this variant resulted in a classification of benign for this disease.

Illumina Laboratory Services, Illumina
Classification: Benign for Otofaciocervical syndrome 1. Last evaluated: 2018-01-12. Review status: criteria provided, single submitter. Criteria: ICSL Variant Classification Criteria 13 December 2019. Collection method: clinical testing. Allele origin: germline.
Comment: the same text as in the submission from Illumina Laboratory Services, Illumina above.